The following is an entry in ClinVar:

NM_015541.3(LRIG1):c.189C>T (p.Pro63=)

Gene: LRIG1 (leucine rich repeats and immunoglobulin like domains 1; minus strand). Cytogenetic location: 3p14.1.
Variant type: single nucleotide variant.
Coding change: c.189C>T on transcript NM_015541.3 (MANE Select); coding-DNA position 189, C replaced by T.
Protein change: p.Pro63=; no amino-acid change (proline 63 retained).
Molecular consequence: synonymous variant. On other transcripts: intron variant (1).
Genome position (GRCh38, 1-based): chr3:66,500,219, G>A on the plus strand (C>T on the coding strand, the complement: LRIG1 is on the minus strand). VCF-style: chr3-66500219-G-A. GRCh37 (hg19) VCF-style: chr3-66550643-G-A.
Other names: c.189C>T, p.Pro63= (NM_001377344.1); c.-563+874C>T (NM_001377345.1); c.189C>T (NM_015541.2).
Identifiers: ClinVar variation 2653957 (VCV002653957.25), dbSNP rs754762977, ClinGen allele CA2485280.

ClinVar aggregate classification (germline): Likely benign. Review status: criteria provided, single submitter (1 of 4 stars). 2 submissions from 2 submitters: Likely benign (1). 1 of the submissions does not count toward it. Last evaluated 2023-02-01.

Conditions:
LRIG1-related disorder. Also called: LRIG1-related condition.

Allele frequency attached by ClinVar (database versions not stated): 1000 Genomes Project 30x 0.00047; ExAC 0.00076; TOPMed 0.00175; gnomAD 0.00235.
gnomAD v4.1: 3,462 of 1,513,630 alleles (0.23%); highest among the groups gnomAD compares: Non-Finnish European, 0.27%; 11 homozygotes.

Submissions (2):

CeGaT Center for Human Genetics Tuebingen
Classification: Likely benign. Last evaluated: 2023-02-01. Review status: criteria provided, single submitter. Criteria: CeGaT Center For Human Genetics Tuebingen Variant Classification Criteria Version 2. Collection method: clinical testing. Allele origin: germline. Affected: yes. Observed: 2 variant alleles.
Comment: LRIG1: BP4, BP7

PreventionGenetics, part of Exact Sciences
Classification: Likely benign for LRIG1-related condition. Last evaluated: 2019-04-24. Review status: no assertion criteria provided. Collection method: clinical testing. Allele origin: germline. Not counted in ClinVar's aggregate classification.
Comment: This variant is classified as likely benign based on ACMG/AMP sequence variant interpretation guidelines (Richards et al. 2015 PMID: 25741868, with internal and published modifications).